The following is an entry in ClinVar:

NM_002187.3(IL12B):c.507dup (p.Cys170fs)

Gene: IL12B (interleukin 12B; minus strand). Cytogenetic location: 5q33.3.
Variant type: Duplication.
Coding change: c.507dup on transcript NM_002187.3 (MANE Select); coding-DNA position 507, one base duplicated (G; older notation c.507dupG).
Protein change: p.Cys170fs; shifts the reading frame from cysteine 170.
Molecular consequence: frameshift variant.
Genome position (GRCh38, 1-based): chr5:159,320,496, C duplicated on the plus strand (G on the coding strand, the reverse complement: IL12B is on the minus strand). VCF-style (leftmost placement, unchanged base first): chr5-159320495-A-AC. GRCh37 (hg19) VCF-style: chr5-158747503-A-AC.
Other names: short protein forms C170fs.
Identifiers: ClinVar variation 2893379 (VCV002893379.3), dbSNP rs1380231411, ClinGen allele CA564024218.

ClinVar aggregate classification (germline): Pathogenic (1 of 4 stars; one submission).

Conditions:
Mendelian susceptibility to mycobacterial diseases due to complete IL12B deficiency. Also called: IL12B DEFICIENCY; Immunodeficiency 29. Identifiers: Orphanet 319558, MedGen C4013948, MONDO:0013954, OMIM 614890.

Allele frequency attached by ClinVar (database versions not stated): gnomAD exomes 0.00001.

Submission:

Labcorp Genetics (formerly Invitae), Labcorp
Classification: Pathogenic for Mendelian susceptibility to mycobacterial diseases due to complete IL12B deficiency. Last evaluated: 2024-01-26. Review status: criteria provided, single submitter. Criteria: Invitae Variant Classification Sherloc (09022015). Collection method: clinical testing. Allele origin: germline.
Comment: This sequence change creates a premature translational stop signal (p.Cys170Valfs*19) in the IL12B gene. It is expected to result in an absent or disrupted protein product. Loss-of-function variants in IL12B are known to be pathogenic (PMID: 11753820, 23429356). This variant is present in population databases (no rsID available, gnomAD 0.0009%). This variant has not been reported in the literature in individuals affected with IL12B-related conditions. For these reasons, this variant has been classified as Pathogenic.

Literature cited by the submitters: PubMed 11753820; PubMed 23429356.